The following is an entry in ClinVar:

NM_001145358.2(SIN3A):c.1855-7T>A

Gene: SIN3A (SIN3 transcription regulator family member A; minus strand). Cytogenetic location: 15q24.2.
Variant type: single nucleotide variant.
Coding change: c.1855-7T>A on transcript NM_001145358.2 (MANE Select); 7 bases into the intron before coding-DNA position 1855, T replaced by A.
Molecular consequence: intron variant.
Genome position (GRCh38, 1-based): chr15:75,396,503, A>T on the plus strand (T>A on the coding strand, the complement: SIN3A is on the minus strand). VCF-style: chr15-75396503-A-T. GRCh37 (hg19) VCF-style: chr15-75688844-A-T.
Other names: c.1855-7T>A (NM_001145357.2, NM_015477.3).
Identifiers: ClinVar variation 723104 (VCV000723104.21), dbSNP rs200704180, ClinGen allele CA7667563.
Genomic context (GRCh38, chr15:75,396,503, plus strand): 5'-TATTGCTTCCAGAACCCGGATTGTTGCCAGATTGGTCTCTAAAACTACATCAAGCTGAAG[A>T]GGAAGACAAAGAAGGGTATGCTCAGGACCCAAATCAAAATAGAATAGAGTAGTGTTTAGA-3'

ClinVar aggregate classification (germline): Benign/Likely benign. Review status: criteria provided, multiple submitters, no conflicts (2 of 4 stars). 2 submissions from 2 submitters: Benign (1); Likely benign (1). Last evaluated 2025-11-28.

Allele frequency attached by ClinVar (database versions not stated): ESP Exome Variant Server 0.00008; TOPMed 0.00011; 1000 Genomes Project 30x 0.00031; 1000 Genomes Project 0.00040; gnomAD 0.00074 and 0.00078; gnomAD exomes 0.00110; ExAC 0.00112.
gnomAD v4.1: 960 of 1,596,888 alleles (0.06%); highest among the groups gnomAD compares: Non-Finnish European, 0.03%; 1 homozygote.

Submissions (2):

Labcorp Genetics (formerly Invitae), Labcorp
Classification: Benign. Last evaluated: 2025-11-28. Review status: criteria provided, single submitter. Criteria: Invitae Variant Classification Sherloc (09022015). Collection method: clinical testing. Allele origin: germline.

CeGaT Center for Human Genetics Tuebingen
Classification: Likely benign. Last evaluated: 2024-12-01. Review status: criteria provided, single submitter. Criteria: CeGaT Center For Human Genetics Tuebingen Variant Classification Criteria Version 2. Collection method: clinical testing. Allele origin: germline. Affected: yes. Observed: 2 variant alleles.
Comment: SIN3A: BP4, BS2